The following is an entry in ClinVar:

NM_004174.4(SLC9A3):c.1330G>T (p.Val444Leu)

Gene: SLC9A3 (solute carrier family 9 member A3). Cytogenetic location: 5p15.33.
Variant type: single nucleotide variant.
Coding change: c.1330G>T on transcript NM_004174.4 (MANE Select); coding-DNA position 1330, G replaced by T.
Protein change: p.Val444Leu; replaces valine 444 with leucine.
Molecular consequence: missense variant.
Genome position (GRCh38, 1-based): chr5:482,574, C>A on the plus strand (G>T on the coding strand, the complement: SLC9A3 is on the minus strand). VCF-style: chr5-482574-C-A. GRCh37 (hg19) VCF-style: chr5-482689-C-A.
Other names: c.1330G>T, p.Val444Leu (NM_001284351.3); short protein forms V444L.
Identifiers: ClinVar variation 3641585 (VCV003641585.2).

ClinVar aggregate classification (germline): Uncertain significance (1 of 4 stars; one submission).

Submission:

Labcorp Genetics (formerly Invitae), Labcorp
Classification: Uncertain significance. Last evaluated: 2024-03-27. Review status: criteria provided, single submitter. Criteria: Invitae Variant Classification Sherloc (09022015). Collection method: clinical testing. Allele origin: germline.
Comment: This sequence change replaces valine, which is neutral and non-polar, with leucine, which is neutral and non-polar, at codon 444 of the SLC9A3 protein (p.Val444Leu). This variant is not present in population databases (gnomAD no frequency). This variant has not been reported in the literature in individuals affected with SLC9A3-related conditions. Advanced modeling of protein sequence and biophysical properties (such as structural, functional, and spatial information, amino acid conservation, physicochemical variation, residue mobility, and thermodynamic stability) has been performed at Invitae for this missense variant, however the output from this modeling did not meet the statistical confidence thresholds required to predict the impact of this variant on SLC9A3 protein function. In summary, the available evidence is currently insufficient to determine the role of this variant in disease. Therefore, it has been classified as a Variant of Uncertain Significance.